The following is an entry in ClinVar:

NM_018896.5(CACNA1G):c.5543C>G (p.Ala1848Gly)

Gene: CACNA1G (calcium voltage-gated channel subunit alpha1 G; plus strand). Cytogenetic location: 17q21.33.
Variant type: single nucleotide variant.
Coding change: c.5543C>G on transcript NM_018896.5 (MANE Select); coding-DNA position 5543, C replaced by G.
Protein change: p.Ala1848Gly; replaces alanine 1848 with glycine.
Molecular consequence: missense variant. On other transcripts: non-coding transcript variant (5).
Genome position (GRCh38, 1-based): chr17:50,618,770, C>G. VCF-style: chr17-50618770-C-G. GRCh37 (hg19) VCF-style: chr17-48696131-C-G.
Other names: c.5489C>G, p.Ala1830Gly (NM_001256324.2, NM_198386.3); c.5564C>G, p.Ala1855Gly (NM_001256325.2); c.5408C>G, p.Ala1803Gly (NM_001256326.2, NM_001256330.2); c.5522C>G, p.Ala1841Gly (NM_001256327.2); c.5468C>G, p.Ala1823Gly (NM_001256328.2); c.5441C>G, p.Ala1814Gly (NM_001256329.2, NM_198376.3, NM_198379.3 and 2 more transcripts); c.5387C>G, p.Ala1796Gly (NM_001256331.2); c.5372C>G, p.Ala1791Gly (NM_001256332.2); and 7 more; short protein forms A1791G, A1796G, A1803G, A1807G, A1810G, A1812G, A1814G, A1821G.
Identifiers: ClinVar variation 3359074 (VCV003359074.2).

ClinVar aggregate classification (germline): Likely pathogenic (1 of 4 stars; one submission).

Conditions:
Spinocerebellar ataxia 42, early-onset, severe, with neurodevelopmental deficits. Identifiers: MedGen C4748120, MONDO:0060758, OMIM 618087.

Submission:

Institute of Human Genetics, University of Leipzig Medical Center
Classification: Likely pathogenic for Spinocerebellar ataxia 42, early-onset, severe, with neurodevelopmental deficits. Last evaluated: 2024-07-08. Review status: criteria provided, single submitter. Criteria: ACMG Guidelines, 2015. Collection method: clinical testing. Allele origin: de novo. Inheritance: Autosomal dominant inheritance. Affected: yes.
Comment: Criteria applied: PS2_MOD,PM2,PP2,PP3